The following is an entry in ClinVar:

NM_182961.4(SYNE1):c.10848del (p.Ala3617fs)

Gene: SYNE1 (spectrin repeat containing nuclear envelope protein 1; minus strand). Cytogenetic location: 6q25.2.
Variant type: Deletion.
Coding change: c.10848del on transcript NM_182961.4 (MANE Select); coding-DNA position 10848, one base deleted (A; older notation c.10848delA).
Protein change: p.Ala3617fs; shifts the reading frame from alanine 3617.
Molecular consequence: frameshift variant.
Genome position (GRCh38, 1-based): chr6:152,354,737, T deleted on the plus strand (A on the coding strand, the reverse complement: SYNE1 is on the minus strand). VCF-style (leftmost placement, unchanged base first): chr6-152354736-CT-C. GRCh37 (hg19) VCF-style: chr6-152675871-CT-C.
Other names: c.10869del, p.Ala3624fs (NM_033071.5); short protein forms A3624fs, A3617fs.
Identifiers: ClinVar variation 4792575 (VCV004792575.1).

ClinVar aggregate classification (germline): Pathogenic (1 of 4 stars; one submission).

Conditions:
Emery-Dreifuss muscular dystrophy 4, autosomal dominant (EDMD4). Also called: EMERY-DREIFUSS MUSCULAR DYSTROPHY 4 WITH VARIABLE FEATURES. Identifiers: Orphanet 261, MedGen C2751807, MONDO:0013071, OMIM 612998.
Autosomal recessive ataxia, Beauce type. Also called: Spinocerebellar ataxia, autosomal recessive 8; ATAXIA, RECESSIVE, OF BEAUCE; SYNE1 Deficiency; SYNE1-Related Autosomal Recessive Cerebellar Ataxia. Identifiers: Orphanet 88644, MedGen C1853116, MONDO:0012549, OMIM 610743.

Submission:

Labcorp Genetics (formerly Invitae), Labcorp
Classification: Pathogenic for Emery-Dreifuss muscular dystrophy 4, autosomal dominant; Autosomal recessive ataxia, Beauce type. Last evaluated: 2025-02-15. Review status: criteria provided, single submitter. Criteria: Invitae Variant Classification Sherloc (09022015). Collection method: clinical testing. Allele origin: germline.
Comment: This sequence change creates a premature translational stop signal (p.Ala3624Glnfs*10) in the SYNE1 gene. It is expected to result in an absent or disrupted protein product. Loss-of-function variants in SYNE1 are known to be pathogenic (PMID: 19542096, 24319099, 27086870). This variant is not present in population databases (gnomAD no frequency). This variant has not been reported in the literature in individuals affected with SYNE1-related conditions. For these reasons, this variant has been classified as Pathogenic.

Literature cited by the submitters: PubMed 19542096; PubMed 24319099; PubMed 27086870.